The following is an entry in ClinVar:

ClinVar aggregate classification (germline): Likely pathogenic (1 of 4 stars; one submission).

Conditions:
Coffin-Siris syndrome 1 (CSS1). Also called: ARID1B-Related Coffin-Siris Syndrome; Mental retardation, autosomal dominant 12. Identifiers: Orphanet 1465, MedGen C3281201, MONDO:0007617, OMIM 135900. Disease mechanism: gain of function.

Submission:

3billion
Classification: Likely pathogenic for Coffin-Siris syndrome 1. Last evaluated: 2026-01-13. Review status: criteria provided, single submitter. Criteria: ACMG Guidelines, 2015. Collection method: clinical testing. Allele origin: germline. Affected: yes.
Comment: The variant is not observed in the gnomAD v4.1.0 dataset. Predicted Consequence/Location: Stop-gained (nonsense): predicted to result in a loss or disruption of normal protein function through protein truncation. The predicted truncated protein may be shortened by more than 10%. Therefore, this variant is classified as Likely pathogenic according to the recommendation of ACMG/AMP guideline.

NM_001374828.1(ARID1B):c.6280_6286del (p.Gly2093_Leu2094insTer)

Gene: ARID1B (AT-rich interaction domain 1B; plus strand). Cytogenetic location: 6q25.3.
Variant type: Deletion.
Coding change: c.6280_6286del on transcript NM_001374828.1 (MANE Select); coding-DNA positions 6280 to 6286, 7 bases deleted (CTGGTGC; older notation c.6280_6286delCTGGTGC).
Protein change: p.Gly2093_Leu2094insTer.
Molecular consequence: nonsense.
Genome position (GRCh38, 1-based): chr6:157,207,052-157,207,058, CTGGTGC deleted; deleting any 7 consecutive bases within chr6:157,207,050-157,207,058 gives the same sequence; the c. name uses the placement nearest the transcript's 3' end. VCF-style (leftmost placement, unchanged base first): chr6-157207049-GGCCTGGT-G. GRCh37 (hg19) VCF-style: chr6-157528183-GGCCTGGT-G.
Other names: c.3781_3787del, p.Gly1260_Leu1261insTer (NM_001363725.2); c.6160_6166del, p.Gly2053_Leu2054insTer (NM_001371656.1, NM_001374820.1); c.6409_6415del, p.Gly2136_Leu2137insTer (NM_001438482.1); c.6322_6328del, p.Gly2107_Leu2108insTer (NM_001438483.1); c.6190_6196del, p.Gly2063_Leu2064insTer (NM_001438485.1); c.6163_6169del, p.Gly2054_Leu2055insTer (NM_001438486.1); c.6100_6106del, p.Gly2033_Leu2034insTer (NM_001438487.1); c.3622_3628del, p.Gly1207_Leu1208insTer (NM_001438488.1); and 1 more.
Identifiers: ClinVar variation 4853886 (VCV004853886.1).